The following is an entry in ClinVar:

NM_001034850.3(RETREG1):c.871A>G (p.Lys291Glu)

Gene: RETREG1 (reticulophagy regulator 1; minus strand). Cytogenetic location: 5p15.1.
Variant type: single nucleotide variant.
Coding change: c.871A>G on transcript NM_001034850.3 (MANE Select); coding-DNA position 871, A replaced by G.
Protein change: p.Lys291Glu; replaces lysine 291 with glutamic acid.
Molecular consequence: missense variant.
Genome position (GRCh38, 1-based): chr5:16,478,036, T>C on the plus strand (A>G on the coding strand, the complement: RETREG1 is on the minus strand). VCF-style: chr5-16478036-T-C. GRCh37 (hg19) VCF-style: chr5-16478145-T-C.
Other names: c.448A>G, p.Lys150Glu (NM_019000.5); short protein forms K150E, K291E.
Identifiers: ClinVar variation 1398856 (VCV001398856.8), dbSNP rs1410294018, ClinGen allele CA359258089.

ClinVar aggregate classification (germline): Uncertain significance (1 of 4 stars; one submission).

Allele frequency attached by ClinVar (database versions not stated): gnomAD exomes below 0.00001 and 0.00001.
gnomAD v4.1: 8 of 1,607,262 alleles (0.0005%); highest among the groups gnomAD compares: South Asian, 0.0022%; no homozygotes.

Submission:

Labcorp Genetics (formerly Invitae), Labcorp
Classification: Uncertain significance. Last evaluated: 2021-06-01. Review status: criteria provided, single submitter. Criteria: Invitae Variant Classification Sherloc (09022015). Collection method: clinical testing. Allele origin: germline.
Comment: This sequence change replaces lysine with glutamic acid at codon 291 of the RETREG1 protein (p.Lys291Glu). The lysine residue is highly conserved and there is a small physicochemical difference between lysine and glutamic acid. This variant is not present in population databases (ExAC no frequency). This variant has not been reported in the literature in individuals with RETREG1-related conditions. Algorithms developed to predict the effect of missense changes on protein structure and function are either unavailable or do not agree on the potential impact of this missense change (SIFT: "Deleterious"; PolyPhen-2: "Possibly Damaging"; Align-GVGD: "Class C0"). In summary, the available evidence is currently insufficient to determine the role of this variant in disease. Therefore, it has been classified as a Variant of Uncertain Significance.